The following is an entry in ClinVar:

NM_015041.3(CLUAP1):c.103G>A (p.Val35Ile)

Gene: CLUAP1 (clusterin associated protein 1; plus strand). Cytogenetic location: 16p13.3.
Variant type: single nucleotide variant.
Coding change: c.103G>A on transcript NM_015041.3 (MANE Select); coding-DNA position 103, G replaced by A.
Protein change: p.Val35Ile; replaces valine 35 with isoleucine.
Molecular consequence: missense variant.
Genome position (GRCh38, 1-based): chr16:3,504,800, G>A. VCF-style: chr16-3504800-G-A. GRCh37 (hg19) VCF-style: chr16-3554800-G-A.
Other names: c.103G>A, p.Val35Ile (NM_001330454.2); short protein forms V35I.
Identifiers: ClinVar variation 2997179 (VCV002997179.3), dbSNP rs781560174, ClinGen allele CA394510788.
Genomic context (GRCh38, chr16:3,504,800, plus strand): 5'-GCCCTGGGATACCCTCGACATATTTCTATGGAAAATTTCCGTACACCCAATTTTGGACTT[G>A]TATCTGAAGTGCTTCTCTGGCTTGTGAAAAGGTTCGAACGGCACTTTATTGACATCTAAG-3'
Protein context (NP_055856.1, residues 25-45): ENFRTPNFGL[Val35Ile]SEVLLWLVKR

ClinVar aggregate classification (germline): Uncertain significance (1 of 4 stars; one submission).

gnomAD v4.1: 1 of 1,611,054 alleles (0.000062%); no homozygotes.

Submission:

Labcorp Genetics (formerly Invitae), Labcorp
Classification: Uncertain significance. Last evaluated: 2023-03-08. Review status: criteria provided, single submitter. Criteria: Invitae Variant Classification Sherloc (09022015). Collection method: clinical testing. Allele origin: germline.
Comment: This sequence change replaces valine, which is neutral and non-polar, with isoleucine, which is neutral and non-polar, at codon 35 of the CLUAP1 protein (p.Val35Ile). This variant is not present in population databases (gnomAD no frequency). This variant has not been reported in the literature in individuals affected with CLUAP1-related conditions. Advanced modeling of protein sequence and biophysical properties (such as structural, functional, and spatial information, amino acid conservation, physicochemical variation, residue mobility, and thermodynamic stability) performed at Invitae indicates that this missense variant is not expected to disrupt CLUAP1 protein function. In summary, the available evidence is currently insufficient to determine the role of this variant in disease. Therefore, it has been classified as a Variant of Uncertain Significance.